The following is an entry in ClinVar:

NM_198578.4(LRRK2):c.6688G>A (p.Glu2230Lys)

Gene: LRRK2 (leucine rich repeat kinase 2; plus strand). Cytogenetic location: 12q12.
Variant type: single nucleotide variant.
Coding change: c.6688G>A on transcript NM_198578.4 (MANE Select); coding-DNA position 6688, G replaced by A.
Protein change: p.Glu2230Lys; replaces glutamic acid 2230 with lysine.
Molecular consequence: missense variant.
Genome position (GRCh38, 1-based): chr12:40,354,410, G>A. VCF-style: chr12-40354410-G-A. GRCh37 (hg19) VCF-style: chr12-40748212-G-A.
Other names: short protein forms E2230K.
Identifiers: ClinVar variation 308643 (VCV000308643.10), dbSNP rs201317931, ClinGen allele CA6514735.

ClinVar aggregate classification (germline): Uncertain significance. Review status: criteria provided, multiple submitters, no conflicts (2 of 4 stars). 3 submissions from 3 submitters: Uncertain significance (3). Last evaluated 2022-10-01.

Conditions:
Autosomal dominant Parkinson disease 8. Also called: LRRK2-Related Parkinson Disease; Parkinson disease 8; Parkinson disease 8, susceptibility to. Identifiers: Orphanet 411602, MedGen C1846862, MONDO:0011764, OMIM 607060.

Allele frequency attached by ClinVar (database versions not stated): TOPMed 0.00008; ExAC 0.00005; gnomAD 0.00005 and 0.00004; gnomAD exomes 0.00006 and 0.00010.
gnomAD v4.1: 156 of 1,614,060 alleles (0.0097%); highest among the groups gnomAD compares: Middle Eastern, 0.017%; no homozygotes.

Submissions (3):

Labcorp Genetics (formerly Invitae), Labcorp
Classification: Uncertain significance for Autosomal dominant Parkinson disease 8. Last evaluated: 2022-10-01. Review status: criteria provided, single submitter. Criteria: Invitae Variant Classification Sherloc (09022015). Collection method: clinical testing. Allele origin: germline.
Comment: In summary, the available evidence is currently insufficient to determine the role of this variant in disease. Therefore, it has been classified as a Variant of Uncertain Significance. Algorithms developed to predict the effect of missense changes on protein structure and function output the following: SIFT: "Tolerated"; PolyPhen-2: "Benign"; Align-GVGD: "Class C0". The lysine amino acid residue is found in multiple mammalian species, which suggests that this missense change does not adversely affect protein function. ClinVar contains an entry for this variant (Variation ID: 308643). This variant has not been reported in the literature in individuals affected with LRRK2-related conditions. This variant is present in population databases (rs201317931, gnomAD 0.02%). This sequence change replaces glutamic acid, which is acidic and polar, with lysine, which is basic and polar, at codon 2230 of the LRRK2 protein (p.Glu2230Lys).

Illumina Laboratory Services, Illumina
Classification: Uncertain significance for Autosomal dominant Parkinson disease 8. Last evaluated: 2018-01-13. Review status: criteria provided, single submitter. Criteria: ICSL Variant Classification Criteria 13 December 2019. Collection method: clinical testing. Allele origin: germline.

Breakthrough Genomics
Classification: Uncertain significance. Review status: criteria provided, single submitter. Criteria: ACMG Guidelines, 2015. Collection method: not provided. Allele origin: germline. Inheritance: Autosomal dominant inheritance. Affected: yes.